The following is an entry in ClinVar:

ClinVar aggregate classification (germline): Uncertain significance. Review status: criteria provided, multiple submitters, no conflicts (2 of 4 stars). 2 submissions from 2 submitters: Uncertain significance (2). Last evaluated 2024-02-27.

Conditions:
Neuronopathy, distal hereditary motor, type 7A. Also called: Neuronopathy, distal hereditary motor, type viia; NEURONOPATHY, DISTAL HEREDITARY MOTOR, HARDING TYPE VIIA; NEUROPATHY, DISTAL HEREDITARY MOTOR, HARDING TYPE VIIA; Neuronopathy, distal hereditary motor, autosomal dominant 7; HARPER-YOUNG MYOPATHY; HMN VIIA. Identifiers: Orphanet 139589, MedGen C1834703, MONDO:0008024, OMIM 158580.
Congenital myasthenic syndrome 20. Also called: Myasthenic syndrome, congenital, 20, presynaptic. Identifiers: MedGen C4310694, MONDO:0014939, OMIM 617143.

Submissions (2):

GeneDx
Classification: Uncertain significance. Last evaluated: 2024-02-27. Review status: criteria provided, single submitter. Criteria: GeneDx Variant Classification Process June 2021. Collection method: clinical testing. Allele origin: germline. Affected: yes.
Comment: Not observed at significant frequency in large population cohorts (gnomAD); In silico analysis supports that this missense variant has a deleterious effect on protein structure/function; Has not been previously published as pathogenic or benign to our knowledge

Labcorp Genetics (formerly Invitae), Labcorp
Classification: Uncertain significance for Neuronopathy, distal hereditary motor, type 7A; Congenital myasthenic syndrome 20. Last evaluated: 2022-03-03. Review status: criteria provided, single submitter. Criteria: Invitae Variant Classification Sherloc (09022015). Collection method: clinical testing. Allele origin: germline.
Comment: In summary, the available evidence is currently insufficient to determine the role of this variant in disease. Therefore, it has been classified as a Variant of Uncertain Significance. Algorithms developed to predict the effect of missense changes on protein structure and function are either unavailable or do not agree on the potential impact of this missense change (SIFT: "Deleterious"; PolyPhen-2: "Possibly Damaging"; Align-GVGD: "Class C0"). ClinVar contains an entry for this variant (Variation ID: 574169). This variant has not been reported in the literature in individuals affected with SLC5A7-related conditions. This variant is not present in population databases (gnomAD no frequency). This sequence change replaces alanine, which is neutral and non-polar, with threonine, which is neutral and polar, at codon 143 of the SLC5A7 protein (p.Ala143Thr).

NM_021815.5(SLC5A7):c.427G>A (p.Ala143Thr)

Gene: SLC5A7 (solute carrier family 5 member 7; plus strand). Cytogenetic location: 2q12.3.
Variant type: single nucleotide variant.
Coding change: c.427G>A on transcript NM_021815.5 (MANE Select); coding-DNA position 427, G replaced by A.
Protein change: p.Ala143Thr; replaces alanine 143 with threonine.
Molecular consequence: missense variant. On other transcripts: 5 prime UTR variant (1).
Genome position (GRCh38, 1-based): chr2:107,993,106, G>A. VCF-style: chr2-107993106-G-A. GRCh37 (hg19) VCF-style: chr2-108609562-G-A.
Other names: c.427G>A, p.Ala143Thr (NM_001305005.3); c.112G>A, p.Ala38Thr (NM_001305006.3); c.-278G>A (NM_001305007.3); short protein forms A143T, A38T.
Identifiers: ClinVar variation 574169 (VCV000574169.7), dbSNP rs1558860658, ClinGen allele CA348020959.
Genomic context (GRCh38, chr2:107,993,106, plus strand): 5'-GGAAAACGCATGGGCGGACTCCTGTTTATTCCTGCACTGATGGGAGAAATGTTCTGGGCT[G>A]CAGCAATTTTCTCTGCTTTGGGTAAGGACCAGCTAAGTTGTCTAGCTGCATCTTTGTAGT-3'
Protein context (NP_068587.1, residues 133-153): PALMGEMFWA[Ala143Thr]AIFSALGATI